The following is an entry in ClinVar:

NM_000088.4(COL1A1):c.1461+1G>T

Gene: COL1A1 (collagen type I alpha 1 chain; minus strand). Cytogenetic location: 17q21.33.
Variant type: single nucleotide variant.
Coding change: c.1461+1G>T on transcript NM_000088.4 (MANE Select); the canonical splice donor site of the intron after coding-DNA position 1461, G replaced by T.
Molecular consequence: splice donor variant.
Genome position (GRCh38, 1-based): chr17:50,194,720, C>A on the plus strand (G>T on the coding strand, the complement: COL1A1 is on the minus strand). VCF-style: chr17-50194720-C-A. GRCh37 (hg19) VCF-style: chr17-48272081-C-A.
Identifiers: ClinVar variation 2041730 (VCV002041730.5), dbSNP rs72648347, ClinGen allele CA400217592.
Genomic context (GRCh38, chr17:50,194,720, plus strand): 5'-ACACACAGGCACCAGCCAGGCAATGAGGGTGGAGCGGGAGGGGGCGGGCAGGGACACTTA[C>A]ACGCTCGCCAGGGGGTCCGGGCAGGCCAGTGGGTCCGGGTTCACCTCGAGCTCCTCGCTT-3'

ClinVar aggregate classification (germline): Pathogenic/Likely pathogenic. Review status: criteria provided, multiple submitters, no conflicts (2 of 4 stars). 2 submissions from 2 submitters: Pathogenic (1); Likely pathogenic (1). Last evaluated 2026-07-09.

Conditions:
Osteogenesis imperfecta type I (OI1). Also called: OI, TYPE I; OSTEOGENESIS IMPERFECTA TARDA; OSTEOGENESIS IMPERFECTA WITH BLUE SCLERAE; Osteogenesis imperfecta type 1; Lobstein's Disease; Lobstein disease. Identifiers: Orphanet 216796, Orphanet 666, MedGen C0023931, MONDO:0008146, OMIM 166200. Disease mechanism: loss of function.
Osteogenesis imperfecta (OI). Identifiers: Orphanet 666, MedGen C0029434, MeSH D010013, MONDO:0019019.

Submissions (2):

Clinical Genetics Laboratory, Skane University Hospital Lund
Classification: Likely pathogenic for Osteogenesis imperfecta. Last evaluated: 2026-07-09. Review status: criteria provided, single submitter. Criteria: ACMG Guidelines, 2015. Collection method: clinical testing. Allele origin: germline. Affected: yes.
Comment: COL1A1 (NM_000088.4) c.1461+1G>T, p.? represents a nucleotide substitution in the donor splice site of intron 21, which is predicted to alter the splicing of exon 21 of 51. COL1A1 c.1461+1G>T has not been observed in the general population, has been previously described in the literature (PMID: 37079061), and is reported as pathogenic in the ClinVar database (Accession: VCV002041730.4). Two other alterations at the same position (c.1461+1G>A and c.1461+1G>C) have also been reported as pathogenic (Accession: VCV002736624.3 and VCV003602177.1). The variant has been classified as likely pathogenic based on the following ACMG criteria: PVS1_Moderate, PS1, PS4_Supporting, and PM2.

Labcorp Genetics (formerly Invitae), Labcorp
Classification: Pathogenic for Osteogenesis imperfecta type I. Last evaluated: 2025-12-29. Review status: criteria provided, single submitter. Criteria: Invitae Variant Classification Sherloc (09022015). Collection method: clinical testing. Allele origin: germline.
Comment: This sequence change affects a donor splice site in intron 21 of the COL1A1 gene. It is expected to disrupt RNA splicing. Variants that disrupt the donor or acceptor splice site typically lead to a loss of protein function (PMID: 16199547), and loss-of-function variants in COL1A1 are known to be pathogenic (PMID: 7942841, 9295084, 9443882). This variant is not present in population databases (gnomAD no frequency). Disruption of this splice site has been observed in individuals with autosomal dominant osteogenesis imperfecta (PMID: 16879195, 25963598, 30715774, 30886339). ClinVar contains an entry for this variant (Variation ID: 2041730). Algorithms developed to predict the effect of sequence changes on RNA splicing suggest that this variant may disrupt the consensus splice site. For these reasons, this variant has been classified as Pathogenic.

Literature cited by the submitters: PubMed 16199547 (cited by Labcorp Genetics (formerly Invitae), Labcorp); PubMed 7942841 (cited by Labcorp Genetics (formerly Invitae), Labcorp); PubMed 9295084 (cited by Labcorp Genetics (formerly Invitae), Labcorp); PubMed 9443882 (cited by Labcorp Genetics (formerly Invitae), Labcorp); PubMed 16879195 (cited by Labcorp Genetics (formerly Invitae), Labcorp); PubMed 25963598 (cited by Labcorp Genetics (formerly Invitae), Labcorp); PubMed 30715774 (cited by Labcorp Genetics (formerly Invitae), Labcorp); PubMed 30886339 (cited by Labcorp Genetics (formerly Invitae), Labcorp).